The following is an entry in ClinVar:

NM_001111125.3(IQSEC2):c.590G>T (p.Arg197Leu)

Gene: IQSEC2 (IQ motif and Sec7 domain ArfGEF 2; minus strand). Cytogenetic location: Xp11.22.
Variant type: single nucleotide variant.
Coding change: c.590G>T on transcript NM_001111125.3 (MANE Select); coding-DNA position 590, G replaced by T.
Protein change: p.Arg197Leu; replaces arginine 197 with leucine.
Molecular consequence: missense variant.
Genome position (GRCh38, 1-based): chrX:53,320,534, C>A on the plus strand (G>T on the coding strand, the complement: IQSEC2 is on the minus strand). VCF-style: chrX-53320534-C-A. GRCh37 (hg19) VCF-style: chrX-53349732-C-A.
Other names: short protein forms R197L.
Identifiers: ClinVar variation 854327 (VCV000854327.10), dbSNP rs2075419421, ClinGen allele CA413239016.

ClinVar aggregate classification (germline): Uncertain significance (1 of 4 stars; one submission).

Conditions:
Intellectual developmental disorder, X-linked 1. Also called: Atkin Flaitz Patil Smith syndrome; MENTAL RETARDATION, X-LINKED 18; MENTAL RETARDATION, X-LINKED 78; Intellectual disability, X-linked 1. Identifiers: Orphanet 777, MedGen C2931498, MONDO:0010656, OMIM 309530.

Submission:

Labcorp Genetics (formerly Invitae), Labcorp
Classification: Uncertain significance for Intellectual developmental disorder, X-linked 1. Last evaluated: 2019-05-10. Review status: criteria provided, single submitter. Criteria: Invitae Variant Classification Sherloc (09022015). Collection method: clinical testing. Allele origin: germline.
Comment: In summary, the available evidence is currently insufficient to determine the role of this variant in disease. Therefore, it has been classified as a Variant of Uncertain Significance. Algorithms developed to predict the effect of missense changes on protein structure and function (SIFT, PolyPhen-2, Align-GVGD) all suggest that this variant is likely to be tolerated, but these predictions have not been confirmed by published functional studies and their clinical significance is uncertain. This variant has not been reported in the literature in individuals with IQSEC2-related conditions. The frequency data for this variant in the population databases is considered unreliable, as metrics indicate insufficient coverage at this position in the ExAC database. This sequence change replaces arginine with leucine at codon 197 of the IQSEC2 protein (p.Arg197Leu). The arginine residue is weakly conserved and there is a moderate physicochemical difference between arginine and leucine.